The following is an entry in ClinVar:

NM_001854.4(COL11A1):c.3344C>T (p.Pro1115Leu)

Gene: COL11A1 (collagen type XI alpha 1 chain; minus strand). Cytogenetic location: 1p21.1.
Variant type: single nucleotide variant.
Coding change: c.3344C>T on transcript NM_001854.4 (MANE Select); coding-DNA position 3344, C replaced by T.
Protein change: p.Pro1115Leu; replaces proline 1115 with leucine.
Molecular consequence: missense variant. On other transcripts: non-coding transcript variant (1).
Genome position (GRCh38, 1-based): chr1:102,940,367, G>A on the plus strand (C>T on the coding strand, the complement: COL11A1 is on the minus strand). VCF-style: chr1-102940367-G-A. GRCh37 (hg19) VCF-style: chr1-103405923-G-A.
Other names: c.3227C>T, p.Pro1076Leu (NM_001190709.2); c.3380C>T, p.Pro1127Leu (NM_080629.3); c.2996C>T, p.Pro999Leu (NM_080630.4); short protein forms P1076L, P1115L, P1127L, P999L.
Identifiers: ClinVar variation 1306553 (VCV001306553.10), dbSNP rs958678153, ClinGen allele CA27695542.

ClinVar aggregate classification (germline): Conflicting classifications of pathogenicity. Review status: criteria provided, conflicting classifications (1 of 4 stars). 3 submissions from 3 submitters: Uncertain significance (2); Likely benign (1). Last evaluated 2025-10-26.

Allele frequency attached by ClinVar (database versions not stated): gnomAD exomes 0.00001 and 0.00004; gnomAD 0.00002 and 0.00003.
gnomAD v4.1: 68 of 1,613,814 alleles (0.0042%); highest among the groups gnomAD compares: Non-Finnish European, 0.0054%; no homozygotes.

Submissions (3):

Labcorp Genetics (formerly Invitae), Labcorp
Classification: Likely benign. Last evaluated: 2025-10-26. Review status: criteria provided, single submitter. Criteria: Invitae Variant Classification Sherloc (09022015). Collection method: clinical testing. Allele origin: germline.

Blueprint Genetics
Classification: Uncertain significance. Last evaluated: 2024-09-09. Review status: criteria provided, single submitter. Criteria: ACMG Guidelines, 2015. Collection method: clinical testing. Allele origin: germline.

GeneDx
Classification: Uncertain significance. Last evaluated: 2023-10-13. Review status: criteria provided, single submitter. Criteria: GeneDx Variant Classification Process June 2021. Collection method: clinical testing. Allele origin: germline. Affected: yes.
Comment: Has not been previously published as pathogenic or benign to our knowledge; Not observed at significant frequency in large population cohorts (gnomAD); In silico analysis supports that this missense variant has a deleterious effect on protein structure/function